The following is an entry in ClinVar:

ClinVar aggregate classification (germline): Likely benign (1 of 4 stars; one submission).

Allele frequency attached by ClinVar (database versions not stated): ExAC 0.00002; gnomAD 0.00003; TOPMed 0.00003; gnomAD exomes 0.00005.
gnomAD v4.1: 85 of 1,614,166 alleles (0.0053%); highest among the groups gnomAD compares: Non-Finnish European, 0.0068%; no homozygotes.

Submission:

CeGaT Center for Human Genetics Tuebingen
Classification: Likely benign. Last evaluated: 2023-04-01. Review status: criteria provided, single submitter. Criteria: CeGaT Center For Human Genetics Tuebingen Variant Classification Criteria Version 2. Collection method: clinical testing. Allele origin: germline. Affected: yes. Observed: 1 variant allele.
Comment: SLIT1: BP4, BP7

NM_003061.3(SLIT1):c.2064G>A (p.Lys688=)

Gene: SLIT1 (slit guidance ligand 1; minus strand). Cytogenetic location: 10q24.1.
Variant type: single nucleotide variant.
Coding change: c.2064G>A on transcript NM_003061.3 (MANE Select); coding-DNA position 2064, G replaced by A.
Protein change: p.Lys688=; no amino-acid change (lysine 688 retained).
Molecular consequence: synonymous variant.
Genome position (GRCh38, 1-based): chr10:97,043,001, C>T on the plus strand (G>A on the coding strand, the complement: SLIT1 is on the minus strand). VCF-style: chr10-97043001-C-T. GRCh37 (hg19) VCF-style: chr10-98802758-C-T.
Identifiers: ClinVar variation 2640734 (VCV002640734.24), dbSNP rs746138250, ClinGen allele CA5628289.